The following is an entry in ClinVar:

NM_020975.6(RET):c.431G>A (p.Arg144His)

Gene: RET (ret proto-oncogene; plus strand). Cytogenetic location: 10q11.21.
Variant type: single nucleotide variant.
Coding change: c.431G>A on transcript NM_020975.6 (MANE Select); coding-DNA position 431, G replaced by A.
Protein change: p.Arg144His; replaces arginine 144 with histidine.
Molecular consequence: missense variant.
Genome position (GRCh38, 1-based): chr10:43,102,435, G>A. VCF-style: chr10-43102435-G-A. GRCh37 (hg19) VCF-style: chr10-43597883-G-A.
Other names: c.431G>A, p.Arg144His (NM_000323.2, NM_001406743.1, NM_001406744.1 and 16 more transcripts); short protein forms R144H.
Identifiers: ClinVar variation 216729 (VCV000216729.18), dbSNP rs551142665, ClinGen allele CA043667.

ClinVar aggregate classification (germline): Conflicting classifications of pathogenicity. Review status: criteria provided, conflicting classifications (1 of 4 stars). 7 submissions from 7 submitters: Uncertain significance (4); Benign (1); Likely benign (1). 1 of the submissions does not count toward it. Last evaluated 2026-01-09.

Conditions:
Pheochromocytoma. Also called: MAX-Related Hereditary Paraganglioma-Pheochromocytoma Syndrome. Identifiers: Orphanet 29072, MedGen C0031511, MONDO:0008233, OMIM 171300, HP:0002666.
Hirschsprung disease, susceptibility to, 1 (HSCR1). Also called: RET-Related Hirschsprung Disease. Identifiers: Orphanet 388, MedGen C3888239, MONDO:0007723, OMIM 142623.
Familial medullary thyroid carcinoma (MTC). Also called: Thyroid cancer, familial medullary; MTC, familial; Familial Medullary Thyroid Carcinoma (FMTC). Identifiers: Orphanet 653, Orphanet 99361, MedGen C1833921, MONDO:0007958, OMIM 155240.
Multiple endocrine neoplasia type 2B. Also called: WAGENMANN-FROBOESE SYNDROME; MULTIPLE ENDOCRINE NEOPLASIA, TYPE III; MEN 2B; MUCOSAL NEUROMA SYNDROME; MULTIPLE ENDOCRINE NEOPLASIA, TYPE IIB; MEN IIB. Identifiers: Orphanet 247709, Orphanet 653, MedGen C0025269, MeSH D018814, MONDO:0008082, OMIM 162300.
Multiple endocrine neoplasia type 2A. Also called: MULTIPLE ENDOCRINE NEOPLASIA, TYPE IIA; PTC SYNDROME; SIPPLE SYNDROME; MEN 2A; MEN-2A syndrome; Pheochromocytoma and amyloid producing medullary thyroid carcinoma. Identifiers: Orphanet 247698, Orphanet 653, MedGen C0025268, MeSH D018813, MONDO:0008234, OMIM 171400.
Hereditary cancer-predisposing syndrome. Also called: Tumor predisposition; Hereditary neoplastic syndrome; Neoplastic Syndromes, Hereditary; Hereditary Cancer Syndrome. Identifiers: Orphanet 140162, MedGen C0027672, MeSH D009386, MONDO:0015356.
Multiple endocrine neoplasia, type 2 (MEN2). Identifiers: Orphanet 653, MedGen C4048306, MONDO:0019003. Disease mechanism: gain of function.

Allele frequency attached by ClinVar (database versions not stated): gnomAD 0.00001 and 0.00002; TOPMed 0.00001; gnomAD exomes 0.00003 and 0.00006; ExAC 0.00007; 1000 Genomes Project 30x 0.00016; 1000 Genomes Project 0.00020.
gnomAD v4.1: 49 of 1,614,198 alleles (0.003%); highest among the groups gnomAD compares: South Asian, 0.021%; no homozygotes.

Submissions (7):

Labcorp Genetics (formerly Invitae), Labcorp
Classification: Uncertain significance for Multiple endocrine neoplasia, type 2. Last evaluated: 2026-01-09. Review status: criteria provided, single submitter. Criteria: Invitae Variant Classification Sherloc (09022015). Collection method: clinical testing. Allele origin: germline.
Comment: This sequence change replaces arginine, which is basic and polar, with histidine, which is basic and polar, at codon 144 of the RET protein (p.Arg144His). This variant is present in population databases (rs551142665, gnomAD 0.02%). This missense change has been observed in individual(s) with Hirschsprung disease (PMID: 26395553). ClinVar contains an entry for this variant (Variation ID: 216729). An algorithm developed to predict the effect of missense changes on protein structure and function (PolyPhen-2) suggests that this variant is likely to be tolerated. In summary, the available evidence is currently insufficient to determine the role of this variant in disease. Therefore, it has been classified as a Variant of Uncertain Significance.

Color Diagnostics, LLC DBA Color Health
Classification: Likely benign for Multiple endocrine neoplasia, type 2. Last evaluated: 2025-07-14. Review status: criteria provided, single submitter. Criteria: ACMG Guidelines, 2015. Collection method: clinical testing. Allele origin: germline.

Ambry Genetics
Classification: Benign for Hereditary cancer-predisposing syndrome. Last evaluated: 2025-01-03. Review status: criteria provided, single submitter. Criteria: Ambry Variant Classification Scheme 2023. Collection method: clinical testing. Allele origin: germline.

GeneDx
Classification: Uncertain significance. Last evaluated: 2024-01-05. Review status: criteria provided, single submitter. Criteria: GeneDx Variant Classification Process June 2021. Collection method: clinical testing. Allele origin: germline. Affected: yes.
Comment: Identified in a patient with Hirschsprung disease (HSCR) and was inherited from a parent with unspecified clinical history and observed in a patient with Parkinson's disease (PMID: 20442138, 26395553); Published functional studies suggest that the p.(R144H) variant does not result in significant protein expression or protein interaction differences compared to wildtype (PMID: 26395553, 20442138); In silico analysis supports that this missense variant does not alter protein structure/function; This variant is associated with the following publications: (PMID: 20442138, 26395553, 23084198, 14633923)

Fulgent Genetics
Classification: Uncertain significance for Hirschsprung disease, susceptibility to, 1; Familial medullary thyroid carcinoma; Multiple endocrine neoplasia type 2B; Pheochromocytoma; Multiple endocrine neoplasia type 2A. Last evaluated: 2021-11-10. Review status: criteria provided, single submitter. Criteria: ACMG Guidelines, 2015. Collection method: clinical testing. Allele origin: unknown.

Baylor Genetics
Classification: Uncertain significance for Familial medullary thyroid carcinoma. Last evaluated: 2020-05-21. Review status: criteria provided, single submitter. Criteria: ACMG Guidelines, 2015. Collection method: clinical testing. Allele origin: paternal. Affected: yes. Study: CSER-TexasKidsCanSeq.
Comment: This variant was determined to be of uncertain significance according to ACMG Guidelines, 2015 [PMID:25741868].

Counsyl
Classification: Uncertain significance for Multiple endocrine neoplasia type 2A. Last evaluated: 2017-05-03. Review status: no assertion criteria provided. Collection method: clinical testing. Allele origin: unknown. Not counted in ClinVar's aggregate classification.

Literature cited by the submitters: PubMed 26395553 (cited by Labcorp Genetics (formerly Invitae), Labcorp and Ambry Genetics); PubMed 20442138 (cited by Ambry Genetics); PubMed 23084198 (cited by Ambry Genetics).